The following is an entry in ClinVar:

ClinVar aggregate classification (germline): Uncertain significance (1 of 4 stars; one submission).

Conditions:
Inborn genetic diseases. Identifiers: MedGen C0950123, MeSH D030342.

Submission:

Ambry Genetics
Classification: Uncertain significance for Inborn genetic diseases. Last evaluated: 2026-04-27. Review status: criteria provided, single submitter. Criteria: Ambry Variant Classification Scheme 2023. Collection method: clinical testing. Allele origin: germline.
Comment: The p.F230C variant (also known as c.689T>G), located in coding exon 5 of the MECOM gene, results from a T to G substitution at nucleotide position 689. The phenylalanine at codon 230 is replaced by cysteine, an amino acid with highly dissimilar properties. This amino acid position is conserved. In addition, the in silico prediction for this alteration is inconclusive. Based on the available evidence, the clinical significance of this variant remains unclear.

NM_004991.4(MECOM):c.689T>G (p.Phe230Cys)

Gene: MECOM (MDS1 and EVI1 complex locus; minus strand). Cytogenetic location: 3q26.2.
Variant type: single nucleotide variant.
Coding change: c.689T>G on transcript NM_004991.4 (MANE Select); coding-DNA position 689, T replaced by G.
Protein change: p.Phe230Cys; replaces phenylalanine 230 with cysteine.
Molecular consequence: missense variant.
Genome position (GRCh38, 1-based): chr3:169,127,985, A>C on the plus strand (T>G on the coding strand, the complement: MECOM is on the minus strand). VCF-style: chr3-169127985-A-C. GRCh37 (hg19) VCF-style: chr3-168845773-A-C.
Other names: c.317T>G, p.Phe106Cys (NM_001105077.4); c.125T>G, p.Phe42Cys (NM_001105078.4, NM_001163999.2, NM_001164000.2 and 9 more transcripts); c.689T>G, p.Phe230Cys (NM_001366466.2, NM_001366473.2); short protein forms F106C, F230C, F42C.
Identifiers: ClinVar variation 4859760 (VCV004859760.1).
Genomic context (GRCh38, chr3:169,127,985, plus strand): 5'-AGTTTTTGCTGAAAGTCCTCTTCAACCATTGAAAATGCTGAGTGAGGAGTACTGCATGGA[A>C]ACTTTTGGTGATCTGCTAGTTCAGCCTTAGATTCAAAGAGCTGGTCACAGTCTTCGCAGC-3'
Protein context (NP_004982.2, residues 220-240): SKAELADHQK[Phe230Cys]PCSTPHSAFS